The following is an entry in ClinVar:

NM_005529.7(HSPG2):c.740_741del (p.Leu247fs)

Gene: HSPG2 (heparan sulfate proteoglycan 2; minus strand). Cytogenetic location: 1p36.12.
Variant type: Microsatellite.
Coding change: c.740_741del on transcript NM_005529.7 (MANE Select); coding-DNA positions 740 to 741, 2 bases deleted (TC; older notation c.740_741delTC).
Protein change: p.Leu247fs; shifts the reading frame from leucine 247.
Molecular consequence: frameshift variant.
Genome position (GRCh38, 1-based): chr1:21,887,637-21,887,638, GA deleted on the plus strand (TC on the coding strand, the reverse complement: HSPG2 is on the minus strand); deleting any 2 consecutive bases within chr1:21,887,637-21,887,644 gives the same sequence; the c. name uses the placement nearest the transcript's 3' end. VCF-style (leftmost placement, unchanged base first): chr1-21887636-GGA-G. GRCh37 (hg19) VCF-style: chr1-22214129-GGA-G.
Other names: c.740_741del, p.Leu247fs (NM_001291860.2); short protein forms L247fs.
Identifiers: ClinVar variation 2047447 (VCV002047447.4), dbSNP rs2550801637, ClinGen allele CA2580611425.
Genomic context (GRCh38, chr1:21,887,636, plus strand): 5'-CTGGTGGCTGTCGCATGATGGTTGTCTCTGGCCGGGGCGGTAAAGATGTCGTCTCCACAA[GGA>G]GAGAGAATGTGGGGCTGATACCCAGGACTGGCTCCTCTGTGGATAGATTCCGCTTGGCAT-3'

ClinVar aggregate classification (germline): Pathogenic (1 of 4 stars; one submission).

Submission:

Labcorp Genetics (formerly Invitae), Labcorp
Classification: Pathogenic. Last evaluated: 2022-04-15. Review status: criteria provided, single submitter. Criteria: Invitae Variant Classification Sherloc (09022015). Collection method: clinical testing. Allele origin: germline.
Comment: For these reasons, this variant has been classified as Pathogenic. Algorithms developed to predict the effect of sequence changes on RNA splicing suggest that this variant may disrupt the consensus splice site. This variant has not been reported in the literature in individuals affected with HSPG2-related conditions. This variant is not present in population databases (gnomAD no frequency). This sequence change creates a premature translational stop signal (p.Leu247Profs*69) in the HSPG2 gene. It is expected to result in an absent or disrupted protein product. Loss-of-function variants in HSPG2 are known to be pathogenic (PMID: 11279527, 16927315, 20542149, 23836246).

Literature cited by the submitters: PubMed 11279527; PubMed 16927315; PubMed 20542149; PubMed 23836246.